The following is an entry in ClinVar:

NM_001367624.2(ZNF469):c.9279G>T (p.Glu3093Asp)

Gene: ZNF469 (zinc finger protein 469; plus strand). Cytogenetic location: 16q24.2.
Variant type: single nucleotide variant.
Coding change: c.9279G>T on transcript NM_001367624.2 (MANE Select); coding-DNA position 9279, G replaced by T.
Protein change: p.Glu3093Asp; replaces glutamic acid 3093 with aspartic acid.
Molecular consequence: missense variant.
Genome position (GRCh38, 1-based): chr16:88,436,749, G>T. VCF-style: chr16-88436749-G-T. GRCh37 (hg19) VCF-style: chr16-88503157-G-T.
Other names: short protein forms E3093D.
Identifiers: ClinVar variation 321003 (VCV000321003.12), dbSNP rs886052417, ClinGen allele CA10638621.

ClinVar aggregate classification (germline): Uncertain significance. Review status: criteria provided, multiple submitters, no conflicts (2 of 4 stars). 3 submissions from 3 submitters: Uncertain significance (3). Last evaluated 2024-11-19.

Conditions:
Cardiovascular phenotype. Identifiers: MedGen CN230736.

Allele frequency attached by ClinVar (database versions not stated): gnomAD exomes 0.00001; gnomAD 0.00001; TOPMed 0.00002.
gnomAD v4.1: 18 of 1,547,822 alleles (0.0012%); highest among the groups gnomAD compares: Non-Finnish European, 0.0016%; no homozygotes.

Submissions (3):

GeneDx
Classification: Uncertain significance. Last evaluated: 2024-11-19. Review status: criteria provided, single submitter. Criteria: GeneDx Variant Classification Process June 2021. Collection method: clinical testing. Allele origin: germline.
Comment: Not observed at significant frequency in large population cohorts (gnomAD); In silico analysis indicates that this missense variant does not alter protein structure/function; Has not been previously published as pathogenic or benign to our knowledge

Ambry Genetics
Classification: Uncertain significance for Cardiovascular phenotype. Last evaluated: 2024-11-10. Review status: criteria provided, single submitter. Criteria: Ambry Variant Classification Scheme 2023. Collection method: clinical testing. Allele origin: germline.
Comment: The p.E3065D variant (also known as c.9195G>T), located in coding exon 2 of the ZNF469 gene, results from a G to T substitution at nucleotide position 9195. The glutamic acid at codon 3065 is replaced by aspartic acid, an amino acid with highly similar properties. This amino acid position is conserved. In addition, this alteration is predicted to be tolerated by in silico analysis. Based on the available evidence, the clinical significance of this variant remains unclear.

Labcorp Genetics (formerly Invitae), Labcorp
Classification: Uncertain significance. Last evaluated: 2021-09-01. Review status: criteria provided, single submitter. Criteria: Invitae Variant Classification Sherloc (09022015). Collection method: clinical testing. Allele origin: germline.